The following is an entry in ClinVar:

ClinVar aggregate classification (germline): Benign/Likely benign. Review status: criteria provided, multiple submitters, no conflicts (2 of 4 stars). 7 submissions from 7 submitters: Benign (2); Likely benign (4). 1 of the submissions does not count toward it. Last evaluated 2026-01-09.

Conditions:
Inborn genetic diseases. Identifiers: MedGen C0950123, MeSH D030342.
CC2D1A-related disorder. Also called: CC2D1A-related condition.

Allele frequency attached by ClinVar (database versions not stated): gnomAD exomes 0.00022 and 0.00065; ExAC 0.00079; ESP Exome Variant Server 0.00227; TOPMed 0.00258; gnomAD 0.00265 and 0.00279; 1000 Genomes Project 0.00339; 1000 Genomes Project 30x 0.00359.
gnomAD v4.1: 737 of 1,614,064 alleles (0.046%); highest among the groups gnomAD compares: African/African-American, 0.86%; 2 homozygotes.

Submissions (7):

Labcorp Genetics (formerly Invitae), Labcorp
Classification: Benign. Last evaluated: 2026-01-09. Review status: criteria provided, single submitter. Criteria: Invitae Variant Classification Sherloc (09022015). Collection method: clinical testing. Allele origin: germline.

Blueprint Genetics
Classification: Likely benign. Last evaluated: 2024-07-08. Review status: criteria provided, single submitter. Criteria: ACMG Guidelines, 2015. Collection method: clinical testing. Allele origin: germline.

CeGaT Center for Human Genetics Tuebingen
Classification: Likely benign. Last evaluated: 2022-12-01. Review status: criteria provided, single submitter. Criteria: CeGaT Center For Human Genetics Tuebingen Variant Classification Criteria Version 2. Collection method: clinical testing. Allele origin: germline. Affected: yes. Observed: 1 variant allele.
Comment: CC2D1A: BP4, BP7

Ambry Genetics
Classification: Likely benign for Inborn genetic diseases. Last evaluated: 2016-12-16. Review status: criteria provided, single submitter. Criteria: Ambry Variant Classification Scheme 2023. Collection method: clinical testing. Allele origin: germline.

Genetic Services Laboratory, University of Chicago
Classification: Benign. Last evaluated: 2016-06-02. Review status: criteria provided, single submitter. Criteria: ACMG Guidelines, 2015. Collection method: clinical testing. Allele origin: germline. Affected: no.

Breakthrough Genomics
Classification: Likely benign. Review status: criteria provided, single submitter. Criteria: ACMG Guidelines, 2015. Collection method: not provided. Allele origin: germline. Inheritance: Autosomal recessive inheritance. Affected: yes.

PreventionGenetics, part of Exact Sciences
Classification: Likely benign for CC2D1A-related condition. Last evaluated: 2023-12-21. Review status: no assertion criteria provided. Collection method: clinical testing. Allele origin: germline. Not counted in ClinVar's aggregate classification.
Comment: This variant is classified as likely benign based on ACMG/AMP sequence variant interpretation guidelines (Richards et al. 2015 PMID: 25741868, with internal and published modifications).

NM_017721.5(CC2D1A):c.2088A>G (p.Lys696=)

Gene: CC2D1A (coiled-coil and C2 domain containing 1A; plus strand). Cytogenetic location: 19p13.12.
Variant type: single nucleotide variant.
Coding change: c.2088A>G on transcript NM_017721.5 (MANE Select); coding-DNA position 2088, A replaced by G.
Protein change: p.Lys696=; no amino-acid change (lysine 696 retained).
Molecular consequence: synonymous variant.
Genome position (GRCh38, 1-based): chr19:13,926,835, A>G. VCF-style: chr19-13926835-A-G. GRCh37 (hg19) VCF-style: chr19-14037648-A-G.
Identifiers: ClinVar variation 434607 (VCV000434607.43), dbSNP rs73925404, ClinGen allele CA9244933.